The following is an entry in ClinVar:

NM_001378457.1(DMXL2):c.4334T>C (p.Ile1445Thr)

Gene: DMXL2 (Dmx like 2; minus strand). Cytogenetic location: 15q21.2.
Variant type: single nucleotide variant.
Coding change: c.4334T>C on transcript NM_001378457.1 (MANE Select); coding-DNA position 4334, T replaced by C.
Protein change: p.Ile1445Thr; replaces isoleucine 1445 with threonine.
Molecular consequence: missense variant. On other transcripts: non-coding transcript variant (2), intron variant (2).
Genome position (GRCh38, 1-based): chr15:51,498,890, A>G on the plus strand (T>C on the coding strand, the complement: DMXL2 is on the minus strand). VCF-style: chr15-51498890-A-G. GRCh37 (hg19) VCF-style: chr15-51791087-A-G.
Other names: p.Ile1445Thr; c.4334T>C, p.Ile1445Thr (NM_001174116.3, NM_001378458.1, NM_001378459.1 and 4 more transcripts); c.4094T>C, p.Ile1365Thr (NM_001378464.1); c.2765-7143T>C (NM_001378460.1); c.2765-3756T>C (NM_001174117.3); c.4334T>C (NM_001174116.2); short protein forms I1445T, I1365T.
Identifiers: ClinVar variation 786267 (VCV000786267.12), dbSNP rs61995718, ClinGen allele CA7562026.

ClinVar aggregate classification (germline): Benign. Review status: criteria provided, multiple submitters, no conflicts (2 of 4 stars). 3 submissions from 3 submitters: Benign (3). Last evaluated 2026-02-03.

Allele frequency attached by ClinVar (database versions not stated): gnomAD exomes 0.00072 and 0.00189; ExAC 0.00244; ESP Exome Variant Server 0.00755; gnomAD 0.00762 and 0.00825; TOPMed 0.00867; 1000 Genomes Project 30x 0.00890; 1000 Genomes Project 0.00899.
gnomAD v4.1: 2,280 of 1,614,142 alleles (0.14%); highest among the groups gnomAD compares: African/African-American, 2.7%; 40 homozygotes.

Submissions (3):

Labcorp Genetics (formerly Invitae), Labcorp
Classification: Benign. Last evaluated: 2026-02-03. Review status: criteria provided, single submitter. Criteria: Invitae Variant Classification Sherloc (09022015). Collection method: clinical testing. Allele origin: germline.

Mayo Clinic Laboratories, Mayo Clinic
Classification: Benign. Last evaluated: 2024-11-01. Review status: criteria provided, single submitter. Criteria: ACMG Guidelines, 2015. Collection method: clinical testing. Allele origin: germline. Observed: 4 variant alleles.
Comment: BS1, BS2, BP4

Breakthrough Genomics
Classification: Benign. Review status: criteria provided, single submitter. Criteria: ACMG Guidelines, 2015. Collection method: not provided. Allele origin: germline. Inheritance: Autosomal recessive inheritance. Affected: yes.